The following is an entry in ClinVar:

ClinVar aggregate classification (germline): Pathogenic/Likely pathogenic. Review status: criteria provided, multiple submitters, no conflicts (2 of 4 stars). 14 submissions from 14 submitters: Pathogenic (9); Likely pathogenic (1). 4 of the submissions do not count toward it. Last evaluated 2025-04-04.

Conditions:
EVC-related disorder. Also called: EVC-related condition; EVC-related disorders.
Ellis-van Creveld syndrome (EVC). Also called: MESOECTODERMAL DYSPLASIA; Chondroectodermal dysplasia. Identifiers: Orphanet 289, MedGen C0013903, MONDO:0009162, OMIM 225500.
Curry-Hall syndrome (WAD). Also called: WEYERS ACRODENTAL DYSOSTOSIS. Identifiers: Orphanet 952, MedGen C0457013, MONDO:0008673, OMIM 193530.
Short-rib thoracic dysplasia 6 with or without polydactyly (SRTD6). Also called: POLYDACTYLY WITH NEONATAL CHONDRODYSTROPHY, TYPE II; SHORT RIB-POLYDACTYLY SYNDROME, TYPE IIA; Majewski Syndrome; SHORT-RIB THORACIC DYSPLASIA 6 WITH POLYDACTYLY; SHORT-RIB THORACIC DYSPLASIA 6 WITHOUT POLYDACTYLY. Identifiers: MedGen C0024507, MONDO:0009894, OMIM 263520.

Allele frequency attached by ClinVar (database versions not stated): gnomAD 0.00003; TOPMed 0.00004; 1000 Genomes Project 30x 0.00016; 1000 Genomes Project 0.00020.
gnomAD v4.1: 28 of 1,614,128 alleles (0.0017%); highest among the groups gnomAD compares: East Asian, 0.0022%; no homozygotes.

Submissions (14):

Natera, Inc.
Classification: Pathogenic for Ellis-van Creveld syndrome. Last evaluated: 2025-04-04. Review status: criteria provided, single submitter. Criteria: Natera Variant Classification Schema (03/2026). Collection method: clinical testing. Allele origin: germline.
Comment: The c.1018C>T variant in EVC is a nonsense variant predicted to introduce a stop codon at amino acid 340. This variant is expected to result in nonsense mediated decay, truncation, or a dysfunctional protein product. This variant is rare in the general population with a frequency below the threshold expected for the associated phenotype(s). This variant has been observed in one or more individuals affected with the associated recessive disease, as either homozygous or compound heterozygous with a second variant (PMID: 19810119, 17024374). Given the available evidence, this variant is classified as Pathogenic.

CeGaT Center for Human Genetics Tuebingen
Classification: Pathogenic. Last evaluated: 2024-08-01. Review status: criteria provided, single submitter. Criteria: CeGaT Center For Human Genetics Tuebingen Variant Classification Criteria Version 2. Collection method: clinical testing. Allele origin: germline. Affected: yes. Observed: 1 variant allele.
Comment: EVC: PVS1, PM2, PM3

GeneDx
Classification: Pathogenic. Last evaluated: 2024-04-19. Review status: criteria provided, single submitter. Criteria: GeneDx Variant Classification Process June 2021. Collection method: clinical testing. Allele origin: germline. Affected: yes.
Comment: Not observed at significant frequency in large population cohorts (gnomAD); Nonsense variant predicted to result in protein truncation or nonsense mediated decay in a gene for which loss of function is a known mechanism of disease; This variant is associated with the following publications: (PMID: 26875496, 25525159, 29068549, 10700184, 33726816, 33875766, 23220543, 17024374)

Fulgent Genetics
Classification: Pathogenic for Curry-Hall syndrome; Ellis-van Creveld syndrome. Last evaluated: 2024-03-19. Review status: criteria provided, single submitter. Criteria: ACMG Guidelines, 2015. Collection method: clinical testing. Allele origin: germline.

Labcorp Genetics (formerly Invitae), Labcorp
Classification: Pathogenic for Curry-Hall syndrome; Ellis-van Creveld syndrome. Last evaluated: 2024-02-26. Review status: criteria provided, single submitter. Criteria: Invitae Variant Classification Sherloc (09022015). Collection method: clinical testing. Allele origin: germline.
Comment: This sequence change creates a premature translational stop signal (p.Arg340*) in the EVC gene. It is expected to result in an absent or disrupted protein product. Loss-of-function variants in EVC are known to be pathogenic (PMID: 23220543). This variant is present in population databases (rs121908425, gnomAD 0.005%). This premature translational stop signal has been observed in individuals with EVC-related conditions (PMID: 10700184, 17024374, 29068549). ClinVar contains an entry for this variant (Variation ID: 5340). For these reasons, this variant has been classified as Pathogenic.

ARUP Laboratories, Molecular Genetics and Genomics, ARUP Laboratories
Classification: Pathogenic. Last evaluated: 2023-09-05. Review status: criteria provided, single submitter. Criteria: ARUP Molecular Germline Variant Investigation Process 2024. Collection method: clinical testing. Allele origin: germline.
Comment: The EVC c.1018C>T; p.Arg340Ter variant (rs121908425) is reported in the literature in multiple individuals affected with Ellis-van Creveld syndrome and Weyers acrofacial dyostosis (Ruiz-Perez 2000, Stranneheim 2021). This variant is also reported in ClinVar (Variation ID: 5340) and is found in the general population with an allele frequency of 0.001414% (4/282,890 alleles) in the Genome Aggregation Database. This variant induces an early termination codon and is predicted to result in a truncated protein or mRNA subject to nonsense-mediated decay. Several downstream truncating variants have been described in individuals with Ellis-van Creveld syndrome and are considered pathogenic (Nguyen 2016, Ruiz-Perez 2000). Based on the available information, this variant is considered to be pathogenic. References: Nguyen TQ et al. Truncation and microdeletion of EVC/EVC2 with missense mutation of EFCAB7 in Ellis-van Creveld syndrome. Congenit Anom (Kyoto). 2016 Sep;56(5):209-16. PMID: 26748586. Ruiz-Perez VL et al. Mutations in a new gene in Ellis-van Creveld syndrome and Weyers acrodental dysostosis. Nat Genet. 2000;24(3):283-286. PMID: 10700184. Stranneheim H et al. Integration of whole genome sequencing into a healthcare setting: high diagnostic rates across multiple clinical entities in 3219 rare disease patients. Genome Med. 2021;13(1):40. Published 2021 Mar 17. PMID: 33726816.

Revvity Omics, Revvity
Classification: Pathogenic. Last evaluated: 2022-09-06. Review status: criteria provided, single submitter. Criteria: ACMG Guidelines, 2015. Collection method: clinical testing. Allele origin: germline.

3billion
Classification: Pathogenic for Ellis-van Creveld syndrome. Last evaluated: 2022-01-03. Review status: criteria provided, single submitter. Criteria: ACMG Guidelines, 2015. Collection method: clinical testing. Allele origin: germline. Affected: yes. Observed: 1 homozygote.
Comment: Stop-gained (nonsense): predicted to result in a loss or disruption of normal protein function through nonsense-mediated decay (NMD) or protein truncation. Multiple pathogenic variants are reported downstream of the variant (PVS1_VS).The variant has been reported at least twice as pathogenic/likely pathogenic with clinical assertions and evidence for the classification (ClinVar ID: VCV000005340, PMID:10700184).It is observed at an extremely low frequency in the gnomAD v2.1.1 dataset (total allele frequency: 0.000014, PM2_M). Therefore, this variant is classified as pathogenic according to the recommendation of ACMG/AMP guideline.

Rare Disease Group, Clinical Genetics, Karolinska Institutet
Classification: Pathogenic for Ellis-van Creveld syndrome. Last evaluated: 2018-05-01. Review status: criteria provided, single submitter. Criteria: ACMG Guidelines, 2015. Collection method: research. Allele origin: paternal. Inheritance: Autosomal recessive inheritance. Affected: yes.

Blueprint Genetics
Classification: Likely pathogenic for EVC-related disorders. Last evaluated: 2017-12-08. Review status: criteria provided, single submitter. Criteria: ACMG Guidelines, 2015. Collection method: clinical testing. Allele origin: germline. Affected: yes. Observed: 1 variant allele.

Counsyl
Classification: Pathogenic for Ellis-van Creveld syndrome. Last evaluated: 2017-11-26. Review status: no assertion criteria provided. Collection method: clinical testing. Allele origin: unknown. Not counted in ClinVar's aggregate classification.

Dan Cohn Lab, University Of California Los Angeles
Classification: Pathogenic for Short-rib thoracic dysplasia 6 with or without polydactyly. Last evaluated: 2017-06-01. Review status: no assertion criteria provided. Collection method: research. Allele origin: unknown. Affected: yes. Not counted in ClinVar's aggregate classification.

OMIM
Classification: Pathogenic for ELLIS-VAN CREVELD SYNDROME. Last evaluated: 2000-03-01. Review status: no assertion criteria provided. Collection method: literature only. Allele origin: germline. Not counted in ClinVar's aggregate classification.

University of Washington Center for Mendelian Genomics, University of Washington
Classification: Likely pathogenic for short-rib polydactyly syndrome type II. Review status: no assertion criteria provided. Collection method: research. Allele origin: inherited. Affected: yes. Not counted in ClinVar's aggregate classification.

Literature cited by the submitters: PubMed 19810119 (cited by Natera, Inc.); PubMed 17024374 (cited by 3 submitters); PubMed 23220543 (cited by Labcorp Genetics (formerly Invitae), Labcorp); PubMed 10700184 (cited by 4 submitters); PubMed 29068549 (cited by 3 submitters).

NM_153717.3(EVC):c.1018C>T (p.Arg340Ter)

Gene: EVC (EvC ciliary complex subunit 1; plus strand). Cytogenetic location: 4p16.2.
Variant type: single nucleotide variant.
Coding change: c.1018C>T on transcript NM_153717.3 (MANE Select); coding-DNA position 1018, C replaced by T.
Protein change: p.Arg340Ter; replaces arginine 340 with a stop codon.
Molecular consequence: nonsense.
Genome position (GRCh38, 1-based): chr4:5,748,226, C>T. VCF-style: chr4-5748226-C-T. GRCh37 (hg19) VCF-style: chr4-5749953-C-T.
Other names: c.1018C>T, p.Arg340Ter (NM_001306090.2, NM_001306092.2); short protein forms R340*.
Identifiers: ClinVar variation 5340 (VCV000005340.41), dbSNP rs121908425, ClinGen allele CA117416.
Genomic context (GRCh38, chr4:5,748,226, plus strand): 5'-CAGATGGCAAATATCCAGCACTTTCTTGTGGACCAGTTTAAGTGTTCCAGCTCCAAAGCC[C>T]GACAGCTGATGATGACTCTGACGGAAAGAATGATTGCAGCCGAAGGGCTATTGTGCGATT-3'